The following is an entry in ClinVar:

NM_032043.3(BRIP1):c.*128A>G

Gene: BRIP1 (BRCA1 interacting DNA helicase 1; minus strand). Cytogenetic location: 17q23.2.
Variant type: single nucleotide variant.
Coding change: c.*128A>G on transcript NM_032043.3 (MANE Select); 128 bases downstream of the stop codon, A replaced by G.
Molecular consequence: 3 prime UTR variant.
Genome position (GRCh38, 1-based): chr17:61,683,168, T>C on the plus strand (A>G on the coding strand, the complement: BRIP1 is on the minus strand). VCF-style: chr17-61683168-T-C. GRCh37 (hg19) VCF-style: chr17-59760529-T-C.
Identifiers: ClinVar variation 324346 (VCV000324346.7), dbSNP rs150444311, ClinGen allele CA10650614.

ClinVar aggregate classification (germline): Conflicting classifications of pathogenicity. Review status: criteria provided, conflicting classifications (1 of 4 stars). 2 submissions from 2 submitters: Uncertain significance (1); Likely benign (1). Last evaluated 2020-06-16.

Conditions:
Fanconi anemia complementation group J. Also called: BRIP1-Related Fanconi Anemia. Identifiers: Orphanet 84, MedGen C1836860, MONDO:0012187, OMIM 609054.
Familial cancer of breast. Also called: BREAST CANCER, FAMILIAL; hereditary breast carcinoma; Hereditary breast cancer. Identifiers: Orphanet 227535, MedGen C0346153, MONDO:0016419, OMIM 114480. Disease mechanism: loss of function.

Allele frequency attached by ClinVar (database versions not stated): 1000 Genomes Project 0.00200; 1000 Genomes Project 30x 0.00234; gnomAD 0.00268 and 0.00277; TOPMed 0.00323; gnomAD exomes 0.00346.
gnomAD v4.1: 3,909 of 1,164,444 alleles (0.34%); highest among the groups gnomAD compares: Admixed American, 0.57%; 13 homozygotes.

Submissions (2):

Genetics and Molecular Pathology, SA Pathology
Classification: Likely benign for Familial cancer of breast. Last evaluated: 2020-06-16. Review status: criteria provided, single submitter. Criteria: ACMG Guidelines, 2015. Collection method: clinical testing. Allele origin: germline. Affected: yes.
Comment: The BRIP1 c.*128A>G variant is classified as Likely Benign (BS1, BP4)

Illumina Laboratory Services, Illumina
Classification: Uncertain significance for Fanconi anemia complementation group J. Last evaluated: 2018-01-12. Review status: criteria provided, single submitter. Criteria: ICSL Variant Classification Criteria 13 December 2019. Collection method: clinical testing. Allele origin: germline.